The following is an entry in ClinVar:

ClinVar aggregate classification (germline): Likely pathogenic (1 of 4 stars; one submission).

Conditions:
Autosomal recessive limb-girdle muscular dystrophy. Identifiers: Orphanet 102015, MedGen C2931907, MONDO:0015152.

Submission:

Myriad Genetics, Inc.
Classification: Likely pathogenic for Autosomal recessive limb-girdle muscular dystrophy. Last evaluated: 2020-03-03. Review status: criteria provided, single submitter. Criteria: Myriad Autosomal Dominant, Autosomal Recessive and X-Linked Classification Criteria (2023). Collection method: clinical testing. Allele origin: unknown.
Comment: NM_003494.3(DYSF):c.5200G>T(E1734*) is expected to be pathogenic in the context of dysferlinopathy. This variant is predicted to lead to an abnormal or absent protein product due to the creation of a premature termination codon in DYSF, a gene where loss-of-function variants are known to be pathogenic. Please note: this variant was assessed in the context of healthy population screening.

NM_001130987.2(DYSF):c.5317G>T (p.Glu1773Ter)

Gene: DYSF (dysferlin; plus strand). Cytogenetic location: 2p13.2.
Variant type: single nucleotide variant.
Coding change: c.5317G>T on transcript NM_001130987.2 (MANE Select); coding-DNA position 5317, G replaced by T.
Protein change: p.Glu1773Ter; replaces glutamic acid 1773 with a stop codon.
Molecular consequence: nonsense.
Genome position (GRCh38, 1-based): chr2:71,665,304, G>T. VCF-style: chr2-71665304-G-T. GRCh37 (hg19) VCF-style: chr2-71892434-G-T.
Other names: c.5203G>T, p.Glu1735Ter (NM_001130455.2); c.5158G>T, p.Glu1720Ter (NM_001130976.2); c.5221G>T, p.Glu1741Ter (NM_001130977.2); c.5263G>T, p.Glu1755Ter (NM_001130978.2); c.5293G>T, p.Glu1765Ter (NM_001130979.2); c.5251G>T, p.Glu1751Ter (NM_001130980.2); c.5314G>T, p.Glu1772Ter (NM_001130981.2); c.5296G>T, p.Glu1766Ter (NM_001130982.2); and 5 more; short protein forms E1720*, E1721*, E1734*, E1735*, E1741*, E1742*, E1751*, E1752*.
Identifiers: ClinVar variation 984248 (VCV000984248.4), dbSNP rs2094976441, ClinGen allele CA347221196.